The following is an entry in ClinVar:

NM_001457.4(FLNB):c.6684C>T (p.Ile2228=)

Gene: FLNB (filamin B; plus strand). Cytogenetic location: 3p14.3.
Variant type: single nucleotide variant.
Coding change: c.6684C>T on transcript NM_001457.4 (MANE Select); coding-DNA position 6684, C replaced by T.
Protein change: p.Ile2228=; no amino-acid change (isoleucine 2228 retained).
Molecular consequence: synonymous variant.
Genome position (GRCh38, 1-based): chr3:58,154,840, C>T. VCF-style: chr3-58154840-C-T. GRCh37 (hg19) VCF-style: chr3-58140567-C-T.
Other names: c.6777C>T, p.Ile2259= (NM_001164317.2); c.6651C>T, p.Ile2217= (NM_001164318.2); c.6612C>T, p.Ile2204= (NM_001164319.2).
Identifiers: ClinVar variation 288209 (VCV000288209.52), dbSNP rs138416613, ClinGen allele CA2469463.

ClinVar aggregate classification (germline): Benign/Likely benign. Review status: criteria provided, multiple submitters, no conflicts (2 of 4 stars). 10 submissions from 10 submitters: Benign (3); Likely benign (5). 2 of the submissions do not count toward it. Last evaluated 2026-09-01.

Conditions:
FLNB-Related Spectrum Disorders.

Allele frequency attached by ClinVar (database versions not stated): 1000 Genomes Project 0.00040; 1000 Genomes Project 30x 0.00047; gnomAD exomes 0.00101 and 0.00153; ExAC 0.00107; ESP Exome Variant Server 0.00146; gnomAD 0.00168 and 0.00170; TOPMed 0.00226.

Submissions (10):

CeGaT Center for Human Genetics Tuebingen
Classification: Likely benign. Last evaluated: 2026-09-01. Review status: criteria provided, single submitter. Criteria: CeGaT Center For Human Genetics Tuebingen Variant Classification Criteria Version 2. Collection method: clinical testing. Allele origin: germline. Affected: yes. Observed: 7 variant alleles.
Comment: FLNB: BP4, BP7

Labcorp Genetics (formerly Invitae), Labcorp
Classification: Likely benign. Last evaluated: 2026-01-26. Review status: criteria provided, single submitter. Criteria: Invitae Variant Classification Sherloc (09022015). Collection method: clinical testing. Allele origin: germline.

Blueprint Genetics
Classification: Likely benign. Last evaluated: 2024-11-20. Review status: criteria provided, single submitter. Criteria: ACMG Guidelines, 2015. Collection method: clinical testing. Allele origin: germline.

ARUP Laboratories, Molecular Genetics and Genomics, ARUP Laboratories
Classification: Benign. Last evaluated: 2019-02-15. Review status: criteria provided, single submitter. Criteria: ARUP Molecular Germline Variant Investigation Process. Collection method: clinical testing. Allele origin: germline.

GeneDx
Classification: Benign. Last evaluated: 2018-08-23. Review status: criteria provided, single submitter. Criteria: GeneDx Variant Classification Process June 2021. Collection method: clinical testing. Allele origin: germline. Affected: yes.

Illumina Laboratory Services, Illumina
Classification: Likely benign for FLNB-Related Spectrum Disorders. Last evaluated: 2018-01-13. Review status: criteria provided, single submitter. Criteria: ICSL Variant Classification Criteria 13 December 2019. Collection method: clinical testing. Allele origin: germline.
Comment: This variant was observed in the ICSL laboratory as part of a predisposition screen in an ostensibly healthy population. It had not been previously curated by ICSL or reported in the Human Gene Mutation Database (HGMD: prior to June 1st, 2018), and was therefore a candidate for classification through an automated scoring system. Utilizing variant allele frequency, disease prevalence and penetrance estimates, and inheritance mode, an automated score was calculated to assess if this variant is too frequent to cause the disease. Based on the score and internal cut-off values, a variant classified as likely benign is not then subjected to further curation. The score for this variant resulted in a classification of likely benign for this disease.

Eurofins Ntd Llc (ga)
Classification: Benign. Last evaluated: 2017-01-18. Review status: criteria provided, single submitter. Criteria: EGL Classification Definitions 2015. Collection method: clinical testing. Allele origin: germline. Observed: 4 variant alleles, 4 heterozygotes.

Breakthrough Genomics
Classification: Likely benign. Review status: criteria provided, single submitter. Criteria: ACMG Guidelines, 2015. Collection method: not provided. Allele origin: germline. Inheritance: Autosomal recessive inheritance. Affected: yes.

Clinical Genetics DNA and cytogenetics Diagnostics Lab, Erasmus MC, Erasmus Medical Center
Classification: Benign. Review status: no assertion criteria provided. Collection method: clinical testing. Allele origin: germline. Affected: yes. Study: VKGL Data-share Consensus. Not counted in ClinVar's aggregate classification.

Genome Diagnostics Laboratory, Amsterdam University Medical Center
Classification: Likely benign. Review status: no assertion criteria provided. Collection method: clinical testing. Allele origin: germline. Affected: yes. Study: VKGL Data-share Consensus. Not counted in ClinVar's aggregate classification.